The following is an entry in ClinVar:

NM_001394067.2(RAPGEF2):c.3790G>A (p.Ala1264Thr)

Gene: RAPGEF2 (Rap guanine nucleotide exchange factor 2; plus strand). Cytogenetic location: 4q32.1.
Variant type: single nucleotide variant.
Coding change: c.3790G>A on transcript NM_001394067.2 (MANE Select); coding-DNA position 3790, G replaced by A.
Protein change: p.Ala1264Thr; replaces alanine 1264 with threonine.
Molecular consequence: missense variant.
Genome position (GRCh38, 1-based): chr4:159,350,214, G>A. VCF-style: chr4-159350214-G-A. GRCh37 (hg19) VCF-style: chr4-160271366-G-A.
Other names: c.3790G>A, p.Ala1264Thr (NM_001351724.5); c.3442G>A, p.Ala1148Thr (NM_001351725.2, NM_001351726.3); c.3307G>A, p.Ala1103Thr (NM_001351727.4, NM_001351728.4, NM_014247.5); short protein forms A1103T, A1148T, A1264T.
Identifiers: ClinVar variation 4681701 (VCV004681701.5).

ClinVar aggregate classification (germline): Likely benign (1 of 4 stars; one submission).

gnomAD v4.1: 44 of 1,594,892 alleles (0.0028%); highest among the groups gnomAD compares: South Asian, 0.05%; no homozygotes.

Submission:

CeGaT Center for Human Genetics Tuebingen
Classification: Likely benign. Last evaluated: 2025-12-01. Review status: criteria provided, single submitter. Criteria: CeGaT Center For Human Genetics Tuebingen Variant Classification Criteria Version 2. Collection method: clinical testing. Allele origin: germline. Affected: yes. Observed: 1 variant allele.
Comment: RAPGEF2: BP4